The following is an entry in ClinVar:

NM_032888.4(COL27A1):c.2619+1G>A

Gene: COL27A1 (collagen type XXVII alpha 1 chain; plus strand). Cytogenetic location: 9q32.
Variant type: single nucleotide variant.
Coding change: c.2619+1G>A on transcript NM_032888.4 (MANE Select); the canonical splice donor site of the intron after coding-DNA position 2619, G replaced by A.
Molecular consequence: splice donor variant.
Genome position (GRCh38, 1-based): chr9:114,235,653, G>A. VCF-style: chr9-114235653-G-A. GRCh37 (hg19) VCF-style: chr9-116997933-G-A.
Identifiers: ClinVar variation 4530701 (VCV004530701.1).

ClinVar aggregate classification (germline): Likely pathogenic (1 of 4 stars; one submission).

Conditions:
Steel syndrome (STLS). Identifiers: Orphanet 438117, MedGen C3554594, MONDO:0014061, OMIM 615155.

Submission:

Laboratory of Functional Genomics, Research Centre for Medical Genetics
Classification: Likely pathogenic for Steel syndrome. Review status: criteria provided, single submitter. Criteria: ACMG Guidelines, 2015. Collection method: clinical testing. Allele origin: paternal. Inheritance: Autosomal recessive inheritance. Affected: yes. Observed: 1 compound heterozygote.
Comment: To assess the impact of the c.2619+1G>A variant on mRNA structure, RT-PCR analysis of RNA extracted from the proband's and his father's skin fibroblasts was performed, followed by deep sequencing of the PCR products. The analysis demonstrated that the variant causes complete skipping of exon 17, leading to an in-frame deletion of 18 amino acids (p.Gly856_Lys873del) at the protein level. According to ACMG/AMP guidelines (2015) (criteria PM2, PS3) this variant should be classified as likely pathogenic.